The following is an entry in ClinVar:

ClinVar aggregate classification (germline): Uncertain significance (1 of 4 stars; one submission).

Allele frequency attached by ClinVar (database versions not stated): TOPMed 0.00001; gnomAD exomes below 0.00001.
gnomAD v4.1: 2 of 1,613,990 alleles (0.00012%); highest among the groups gnomAD compares: Admixed American, 0.0017%; no homozygotes.

Submission:

Labcorp Genetics (formerly Invitae), Labcorp
Classification: Uncertain significance. Last evaluated: 2022-08-20. Review status: criteria provided, single submitter. Criteria: Invitae Variant Classification Sherloc (09022015). Collection method: clinical testing. Allele origin: germline.
Comment: In summary, the available evidence is currently insufficient to determine the role of this variant in disease. Therefore, it has been classified as a Variant of Uncertain Significance. Algorithms developed to predict the effect of missense changes on protein structure and function (SIFT, PolyPhen-2, Align-GVGD) all suggest that this variant is likely to be tolerated. This variant has not been reported in the literature in individuals affected with ASPM-related conditions. This variant is present in population databases (no rsID available, gnomAD 0.003%). This sequence change replaces alanine, which is neutral and non-polar, with threonine, which is neutral and polar, at codon 791 of the ASPM protein (p.Ala791Thr).

NM_018136.5(ASPM):c.2371G>A (p.Ala791Thr)

Gene: ASPM (assembly factor for spindle microtubules; minus strand). Cytogenetic location: 1q31.3.
Variant type: single nucleotide variant.
Coding change: c.2371G>A on transcript NM_018136.5 (MANE Select); coding-DNA position 2371, G replaced by A.
Protein change: p.Ala791Thr; replaces alanine 791 with threonine.
Molecular consequence: missense variant.
Genome position (GRCh38, 1-based): chr1:197,133,398, C>T on the plus strand (G>A on the coding strand, the complement: ASPM is on the minus strand). VCF-style: chr1-197133398-C-T. GRCh37 (hg19) VCF-style: chr1-197102528-C-T.
Other names: c.2371G>A, p.Ala791Thr (NM_001206846.2); short protein forms A791T.
Identifiers: ClinVar variation 2056718 (VCV002056718.4), dbSNP rs1227535188, ClinGen allele CA344009851.